The following is an entry in ClinVar:

ClinVar aggregate classification (germline): Benign (1 of 4 stars; one submission).

Allele frequency attached by ClinVar (database versions not stated): 1000 Genomes Project 0.29812; 1000 Genomes Project 30x 0.30387; gnomAD 0.31197 and 0.31222; TOPMed 0.31773.
gnomAD v4.1: 47,589 of 151,888 alleles (31%); highest among the groups gnomAD compares: South Asian, 41%; 7,642 homozygotes.

Submission:

GeneDx
Classification: Benign. Last evaluated: 2018-06-14. Review status: criteria provided, single submitter. Criteria: GeneDx Variant Classification (06012015). Collection method: clinical testing. Allele origin: germline. Affected: yes.
Comment: This variant is considered likely benign or benign based on one or more of the following criteria: it is a conservative change, it occurs at a poorly conserved position in the protein, it is predicted to be benign by multiple in silico algorithms, and/or has population frequency not consistent with disease.

NM_001370298.3(FGD4):c.1749+200A>C

Gene: FGD4 (FYVE, RhoGEF and PH domain containing 4; plus strand). Cytogenetic location: 12p11.21.
Variant type: single nucleotide variant.
Coding change: c.1749+200A>C on transcript NM_001370298.3 (MANE Select); 200 bases into the intron after coding-DNA position 1749, A replaced by C.
Molecular consequence: intron variant.
Genome position (GRCh38, 1-based): chr12:32,611,483, A>C. VCF-style: chr12-32611483-A-C. GRCh37 (hg19) VCF-style: chr12-32764417-A-C.
Other names: c.1749+200A>C (NM_001384126.1); c.1593+200A>C (NM_001304481.2); c.1059+200A>C (NM_001330374.2, NM_001330373.2, NM_001384130.1); c.1338+200A>C (NM_139241.3, NM_001384127.1, NM_001385118.1 and 1 more transcripts); c.306+200A>C (NM_001304484.2); c.786+200A>C (NM_001370297.1); c.594+200A>C (NM_001304483.2).
Identifiers: ClinVar variation 680167 (VCV000680167.1), dbSNP rs10844254, ClinGen allele CA13585511.
Genomic context (GRCh38, chr12:32,611,483, plus strand): 5'-CTACTAAAAATACAAAAAGTAGCTGAGTGTGGTGGCGGGTGCCTGTAATCCCAACTACTC[A>C]AGAGGATGAGGCAGGAGAATTGCTTGAACCTGGGAAGTGAGCTGGTTGTAGTGAGCTGAG-3'